The following is an entry in ClinVar:

NM_013275.6(ANKRD11):c.7335del (p.Lys2446fs)

Gene: ANKRD11 (ankyrin repeat domain 11; minus strand). Cytogenetic location: 16q24.3.
Variant type: Deletion.
Coding change: c.7335del on transcript NM_013275.6 (MANE Select); coding-DNA position 7335, one base deleted (G; older notation c.7335delG).
Protein change: p.Lys2446fs; shifts the reading frame from lysine 2446.
Molecular consequence: frameshift variant.
Genome position (GRCh38, 1-based): chr16:89,279,207, C deleted on the plus strand (G on the coding strand, the reverse complement: ANKRD11 is on the minus strand); the first of 2 consecutive C bases (chr16:89,279,207-89,279,208); deleting either gives the same sequence. VCF-style (leftmost placement, unchanged base first): chr16-89279206-TC-T. GRCh37 (hg19) VCF-style: chr16-89345614-TC-T.
Other names: c.7335del, p.Lys2446fs (NM_001256182.2, NM_001256183.2); short protein forms K2446fs.
Identifiers: ClinVar variation 4796558 (VCV004796558.1).

ClinVar aggregate classification (germline): Pathogenic (1 of 4 stars; one submission).

Conditions:
KBG syndrome (KBGS). Also called: ANKRD11-Related KBG Syndrome. Identifiers: Orphanet 2332, MedGen C0220687, MONDO:0007846, OMIM 148050.

Submission:

Juno Genomics, Hangzhou Juno Genomics, Inc
Classification: Pathogenic for KBG syndrome. Review status: criteria provided, single submitter. Criteria: ACMG Guidelines, 2015. Collection method: clinical testing. Allele origin: germline. Affected: yes.
Comment: Absent from controls (or at extremely low frequency if recessive) in Genome Aggregation Database, Exome Sequencing Project, 1000 Genomes Project, or Exome Aggregation Consortium.;De novo (both maternity and paternity confirmed) in a patient with the disease and no family history.;Null variant in a gene where loss of function (LOF) is a known mechanism of disease.